The following is an entry in ClinVar:

NM_017986.4(SLC52A1):c.432dup (p.Arg145fs)

Gene: SLC52A1 (solute carrier family 52 member 1; minus strand). Cytogenetic location: 17p13.2.
Variant type: Duplication.
Coding change: c.432dup on transcript NM_017986.4 (MANE Select); coding-DNA position 432, one base duplicated (A; older notation c.432dupA).
Protein change: p.Arg145fs; shifts the reading frame from arginine 145.
Molecular consequence: frameshift variant.
Genome position (GRCh38, 1-based): chr17:5,034,057, T duplicated on the plus strand (A on the coding strand, the reverse complement: SLC52A1 is on the minus strand). VCF-style (leftmost placement, unchanged base first): chr17-5034056-G-GT. GRCh37 (hg19) VCF-style: chr17-4937351-G-GT.
Other names: c.432dup, p.Arg145fs (NM_001104577.2); short protein forms R145fs.
Identifiers: ClinVar variation 1397710 (VCV001397710.8), dbSNP rs1567734976, ClinGen allele CA624857206.
Genomic context (GRCh38, chr17:5,034,056, plus strand): 5'-GCACTAGGGCCAGCACACAGGGGAGTAGGGCACTGAGACCCTGACCCAGGAAGAAAGACC[G>GT]TAAGAAAGGAGGTGGCAGGTGGCTCAGGAAGGGCAGGAAAGTGACATTAGAGGTACAACA-3'

ClinVar aggregate classification (germline): Uncertain significance. Review status: criteria provided, multiple submitters, no conflicts (2 of 4 stars). 2 submissions from 2 submitters: Uncertain significance (2). Last evaluated 2024-11-27.

Conditions:
Ariboflavinosis. Identifiers: MedGen C5779638, MONDO:0004573, OMIM 615026.
Vitamin B2 deficiency. Identifiers: MedGen C0035528.

Allele frequency attached by ClinVar (database versions not stated): gnomAD exomes below 0.00001.

Submissions (2):

Victorian Clinical Genetics Services, Murdoch Childrens Research Institute
Classification: Uncertain significance for Ariboflavinosis. Last evaluated: 2024-11-27. Review status: criteria provided, single submitter. Criteria: ACMG Guidelines, 2015. Collection method: clinical testing. Allele origin: germline.
Comment: This variant is classified as VUS-3A. Evidence in support of pathogenic classification: Variant is predicted to cause nonsense-mediated decay (NMD) and loss of protein (premature termination codon is located at least 54 nucleotides upstream of the final exon-exon junction); Variant is present in gnomAD <0.001 for a dominant condition (v4: 4 heterozygote(s), 0 homozygote(s)). Additional information: This variant is heterozygous; This gene is associated with autosomal dominant disease; Multiple alternative NMD-predicted variants have been observed in gnomAD (v4) (highest allele count: 193 heterozygotes, 1 homozygotes); Previous evidence of pathogenicity for this variant is inconclusive. This variant has been classified as a VUS by a clinical laboratory (ClinVar); No published segregation evidence has been identified for this variant; No published functional evidence has been identified for this variant; Other NMD-predicted variants comparable to the one identified in this case have inconclusive previous evidence for pathogenicity. Many have been classified as VUS by clinical laboratories in ClinVar. - The mechanism of disease for this gene is not clearly established.

Labcorp Genetics (formerly Invitae), Labcorp
Classification: Uncertain significance for Vitamin B2 deficiency. Last evaluated: 2021-04-16. Review status: criteria provided, single submitter. Criteria: Invitae Variant Classification Sherloc (09022015). Collection method: clinical testing. Allele origin: germline.
Comment: In summary, the available evidence is currently insufficient to determine the role of this variant in disease. Therefore, it has been classified as a Variant of Uncertain Significance. This variant has not been reported in the literature in individuals with SLC52A1-related conditions. This variant is not present in population databases (ExAC no frequency). This sequence change creates a premature translational stop signal (p.Arg145Thrfs*45) in the SLC52A1 gene. It is expected to result in an absent or disrupted protein product. However, the current clinical and genetic evidence is not sufficient to establish whether loss-of-function variants in SLC52A1 cause disease.